The following is an entry in ClinVar:

NM_014336.5(AIPL1):c.131A>T (p.Glu44Val)

Gene: AIPL1 (AIP like 1 HSP90 co-chaperone; minus strand). Cytogenetic location: 17p13.2.
Variant type: single nucleotide variant.
Coding change: c.131A>T on transcript NM_014336.5 (MANE Select); coding-DNA position 131, A replaced by T.
Protein change: p.Glu44Val; replaces glutamic acid 44 with valine.
Molecular consequence: missense variant. On other transcripts: intron variant (2), splice acceptor variant (1).
Genome position (GRCh38, 1-based): chr17:6,434,064, T>A on the plus strand (A>T on the coding strand, the complement: AIPL1 is on the minus strand). VCF-style: chr17-6434064-T-A. GRCh37 (hg19) VCF-style: chr17-6337384-T-A.
Other names: c.131A>T, p.Glu44Val (NM_001033054.3, NM_001285401.3, NM_001285403.4); c.14A>T, p.Glu5Val (NM_001285402.2); c.96+945A>T (NM_001033055.3); c.97-32A>T (NM_001285400.3); c.97-2A>T (NM_001285399.3); short protein forms E44V, E5V.
Identifiers: ClinVar variation 1035468 (VCV001035468.9), dbSNP rs150831974, ClinGen allele CA8328618.
Genomic context (GRCh38, chr17:6,434,064, plus strand): 5'-CCGATGATGATGTGCATGGGCTGGCCCACCTGCCGACTGTCGTCAATGACTGTCCGCTCC[T>A]CATCACATTTCATGGTGCGGAAATGAAAGATCACCTAGTCACCGAGACGGTGCACTCTGC-3'
Protein context (NP_055151.3, residues 34-54): IFHFRTMKCD[Glu44Val]ERTVIDDSRQ

ClinVar aggregate classification (germline): Uncertain significance (1 of 4 stars; one submission).

Conditions:
Leber congenital amaurosis 4 (LCA4). Identifiers: MedGen C1858386, MONDO:0011458, OMIM 604393.

Allele frequency attached by ClinVar (database versions not stated): TOPMed below 0.00001; gnomAD exomes 0.00001; ExAC 0.00002; ESP Exome Variant Server 0.00008.

Submission:

Labcorp Genetics (formerly Invitae), Labcorp
Classification: Uncertain significance for Leber congenital amaurosis 4. Last evaluated: 2022-07-19. Review status: criteria provided, single submitter. Criteria: Invitae Variant Classification Sherloc (09022015). Collection method: clinical testing. Allele origin: germline.
Comment: In summary, the available evidence is currently insufficient to determine the role of this variant in disease. Therefore, it has been classified as a Variant of Uncertain Significance. Algorithms developed to predict the effect of sequence changes on RNA splicing suggest that this variant may disrupt the consensus splice site. Algorithms developed to predict the effect of missense changes on protein structure and function are either unavailable or do not agree on the potential impact of this missense change (SIFT: "Deleterious"; PolyPhen-2: "Benign"; Align-GVGD: "Class C0"). ClinVar contains an entry for this variant (Variation ID: 1035468). This variant has not been reported in the literature in individuals affected with AIPL1-related conditions. This variant is present in population databases (rs150831974, gnomAD 0.0009%). This sequence change replaces glutamic acid, which is acidic and polar, with valine, which is neutral and non-polar, at codon 44 of the AIPL1 protein (p.Glu44Val).